The following is an entry in ClinVar:

NM_001429.4(EP300):c.6659CAC[1] (p.Pro2221del)

Gene: EP300 (EP300 lysine acetyltransferase; plus strand). Cytogenetic location: 22q13.2.
Variant type: Microsatellite.
Coding change: c.6659CAC[1] on transcript NM_001429.4 (MANE Select); one copy of the 3-base unit CAC starting at c.6659; the reference has two copies in a row; one copy, 3 bases deleted.
Protein change: p.Pro2221del; deletes proline 2221.
Molecular consequence: inframe deletion.
Genome position (GRCh38, 1-based): chr22:41,178,373-41,178,375, CAC deleted; deleting any 3 consecutive bases within chr22:41,178,369-41,178,375 gives the same sequence; the position shown is the placement nearest the transcript's 3' end. VCF-style (leftmost placement, unchanged base first): chr22-41178368-CCCA-C. GRCh37 (hg19) VCF-style: chr22-41574372-CCCA-C.
Other names: c.6581CAC[1], p.Pro2195del (NM_001362843.2); short protein forms P2221del, P2195del.
Identifiers: ClinVar variation 4986341 (VCV004986341.1).

ClinVar aggregate classification (germline): Uncertain significance (1 of 4 stars; one submission).

Conditions:
EP300-related disorder. Also called: EP300-related condition; EP300-related disorders.

Submission:

PreventionGenetics, part of Exact Sciences
Classification: Uncertain significance for EP300-related condition. Last evaluated: 2025-11-11. Review status: criteria provided, single submitter. Criteria: ACMG Guidelines, 2015. Collection method: clinical testing. Allele origin: germline.
Comment: The EP300 c.6662_6664delCAC variant is predicted to result in an in-frame deletion (p.Pro2221del). To our knowledge, this variant has not been reported in the literature or in a large population database (gnomAD), indicating this variant is rare. At this time, the clinical significance of this variant is uncertain due to the absence of conclusive functional and genetic evidence.